The following is an entry in ClinVar:

NM_006017.3(PROM1):c.2080A>G (p.Thr694Ala)

Gene: PROM1 (prominin 1; minus strand). Cytogenetic location: 4p15.32.
Variant type: single nucleotide variant.
Coding change: c.2080A>G on transcript NM_006017.3 (MANE Select); coding-DNA position 2080, A replaced by G.
Protein change: p.Thr694Ala; replaces threonine 694 with alanine.
Molecular consequence: missense variant.
Genome position (GRCh38, 1-based): chr4:15,987,713, T>C on the plus strand (A>G on the coding strand, the complement: PROM1 is on the minus strand). VCF-style: chr4-15987713-T-C. GRCh37 (hg19) VCF-style: chr4-15989336-T-C.
Other names: c.2053A>G, p.Thr685Ala (NM_001145847.2, NM_001145848.2, NM_001145851.2 and 4 more transcripts); c.2080A>G, p.Thr694Ala (NM_001145849.2, NM_001145850.2); short protein forms T685A, T694A.
Identifiers: ClinVar variation 1934495 (VCV001934495.5), dbSNP rs372585686, ClinGen allele CA2866513.
Genomic context (GRCh38, chr4:15,987,713, plus strand): 5'-AAACCCTTACCAACAATCCATTCCCTGTGCGTTGAAGTATCTTGACGCTTTGGTATAGAG[T>C]GCTCTGGCAAGAAACAGATAATATTTCCAAAATTATTACATGAAGCAGCAAGATCACATA-3'
Protein context (NP_006008.1, residues 684-704): RVLPIEQSLS[Thr694Ala]LYQSVKILQR

ClinVar aggregate classification (germline): Uncertain significance (1 of 4 stars; one submission).

Allele frequency attached by ClinVar (database versions not stated): TOPMed below 0.00001; ExAC 0.00002; gnomAD 0.00002; gnomAD exomes 0.00004; ESP Exome Variant Server 0.00008.
gnomAD v4.1: 63 of 1,609,976 alleles (0.0039%); highest among the groups gnomAD compares: Non-Finnish European, 0.0053%; no homozygotes.

Submission:

Labcorp Genetics (formerly Invitae), Labcorp
Classification: Uncertain significance. Last evaluated: 2022-09-13. Review status: criteria provided, single submitter. Criteria: Invitae Variant Classification Sherloc (09022015). Collection method: clinical testing. Allele origin: germline.
Comment: In summary, the available evidence is currently insufficient to determine the role of this variant in disease. Therefore, it has been classified as a Variant of Uncertain Significance. Advanced modeling of protein sequence and biophysical properties (such as structural, functional, and spatial information, amino acid conservation, physicochemical variation, residue mobility, and thermodynamic stability) performed at Invitae indicates that this missense variant is not expected to disrupt PROM1 protein function. This missense change has been observed in individual(s) with Stargardt disease (Invitae). This variant is present in population databases (rs372585686, gnomAD 0.005%). This sequence change replaces threonine, which is neutral and polar, with alanine, which is neutral and non-polar, at codon 694 of the PROM1 protein (p.Thr694Ala).